The following is an entry in ClinVar:

ClinVar aggregate classification (germline): Uncertain significance (1 of 4 stars; one submission).

Conditions:
Multiple congenital exostosis (EXT). Also called: Hereditary multiple osteochondromas; Multiple exostoses; Multiple osteochondromas; Hereditary multiple exostoses; Hereditary multiple exostosis; MULTIPLE CARTILAGINOUS EXOSTOSES. Identifiers: Orphanet 321, MedGen C0015306, MONDO:0005508, HP:0002762.

Submission:

Labcorp Genetics (formerly Invitae), Labcorp
Classification: Uncertain significance for Multiple congenital exostosis. Last evaluated: 2023-05-06. Review status: criteria provided, single submitter. Criteria: Invitae Variant Classification Sherloc (09022015). Collection method: clinical testing. Allele origin: germline.
Comment: In summary, the available evidence is currently insufficient to determine the role of this variant in disease. Therefore, it has been classified as a Variant of Uncertain Significance. Advanced modeling of protein sequence and biophysical properties (such as structural, functional, and spatial information, amino acid conservation, physicochemical variation, residue mobility, and thermodynamic stability) performed at Invitae indicates that this missense variant is expected to disrupt EXT1 protein function. This variant has not been reported in the literature in individuals affected with EXT1-related conditions. This variant is not present in population databases (gnomAD no frequency). This sequence change replaces alanine, which is neutral and non-polar, with valine, which is neutral and non-polar, at codon 282 of the EXT1 protein (p.Ala282Val).

NM_000127.3(EXT1):c.845C>T (p.Ala282Val)

Gene: EXT1 (exostosin glycosyltransferase 1; minus strand). Cytogenetic location: 8q24.11.
Variant type: single nucleotide variant.
Coding change: c.845C>T on transcript NM_000127.3 (MANE Select); coding-DNA position 845, C replaced by T.
Protein change: p.Ala282Val; replaces alanine 282 with valine.
Molecular consequence: missense variant.
Genome position (GRCh38, 1-based): chr8:118,110,202, G>A on the plus strand (C>T on the coding strand, the complement: EXT1 is on the minus strand). VCF-style: chr8-118110202-G-A. GRCh37 (hg19) VCF-style: chr8-119122441-G-A.
Other names: short protein forms A282V.
Identifiers: ClinVar variation 2862386 (VCV002862386.3), dbSNP rs868304903, ClinGen allele CA184682410.
Genomic context (GRCh38, chr8:118,110,202, plus strand): 5'-TTGCCATGCTTGCAGGTGGTGAGGAGCACAACGTCCTCCCCGTTATGGACGTGATATAAG[G>A]CATTCCTGGTGTCTGATCCTATCCCTGTCAGGTACCTCTTCCCCTTGAATACCAGCATGT-3'
Protein context (NP_000118.2, residues 272-292): LTGIGSDTRN[Ala282Val]LYHVHNGEDV